The following is an entry in ClinVar:

ClinVar aggregate classification (germline): Uncertain significance (1 of 4 stars; one submission).

Allele frequency attached by ClinVar (database versions not stated): ExAC 0.00001.

Submission:

GeneDx
Classification: Uncertain significance. Last evaluated: 2019-04-25. Review status: criteria provided, single submitter. Criteria: GeneDx Variant Classification Process June 2021. Collection method: clinical testing. Allele origin: germline. Affected: yes.
Comment: Not observed in large population cohorts (Lek et al., 2016); In silico analysis, which includes protein predictors and evolutionary conservation, supports a deleterious effect; Has not been previously published as pathogenic or benign to our knowledge

NM_000388.4(CASR):c.879G>T (p.Trp293Cys)

Gene: CASR (calcium sensing receptor; plus strand). Cytogenetic location: 3q21.1.
Variant type: single nucleotide variant.
Coding change: c.879G>T on transcript NM_000388.4 (MANE Select); coding-DNA position 879, G replaced by T.
Protein change: p.Trp293Cys; replaces tryptophan 293 with cysteine.
Molecular consequence: missense variant.
Genome position (GRCh38, 1-based): chr3:122,261,914, G>T. VCF-style: chr3-122261914-G-T. GRCh37 (hg19) VCF-style: chr3-121980761-G-T.
Other names: c.879G>T, p.Trp293Cys (NM_001178065.2); short protein forms W293C.
Identifiers: ClinVar variation 1305615 (VCV001305615.2), dbSNP rs773142330, ClinGen allele CA2569552.